The following is an entry in ClinVar:

NM_001005242.3(PKP2):c.1961C>A (p.Thr654Lys)

Gene: PKP2 (plakophilin 2; minus strand). Cytogenetic location: 12p11.21.
Variant type: single nucleotide variant.
Coding change: c.1961C>A on transcript NM_001005242.3 (MANE Select); coding-DNA position 1961, C replaced by A.
Protein change: p.Thr654Lys; replaces threonine 654 with lysine.
Molecular consequence: missense variant.
Genome position (GRCh38, 1-based): chr12:32,821,408, G>T on the plus strand (C>A on the coding strand, the complement: PKP2 is on the minus strand). VCF-style: chr12-32821408-G-T. GRCh37 (hg19) VCF-style: chr12-32974342-G-T.
Other names: c.2093C>A, p.Thr698Lys (NM_004572.4); short protein forms T698K, T654K.
Identifiers: ClinVar variation 664298 (VCV000664298.9), dbSNP rs1592737188, ClinGen allele CA384361700.

ClinVar aggregate classification (germline): Uncertain significance. Review status: criteria provided, multiple submitters, no conflicts (2 of 4 stars). 2 submissions from 2 submitters: Uncertain significance (2). Last evaluated 2025-07-07.

Conditions:
Cardiomyopathy (CMYO). Also called: Cardiomyopathies. Identifiers: Orphanet 167848, MedGen C0878544, MONDO:0004994, HP:0001638. Inheritance: Various modes of inheritance.
Arrhythmogenic right ventricular dysplasia 9 (ARVD9). Also called: ARRHYTHMOGENIC RIGHT VENTRICULAR DYSPLASIA, FAMILIAL, 9; Arrhythmogenic Right Ventricular Dysplasia/Cardiomyopathy 9. Identifiers: MedGen C1836906, MONDO:0012180, OMIM 609040.

Submissions (2):

Color Diagnostics, LLC DBA Color Health
Classification: Uncertain significance for Cardiomyopathy. Last evaluated: 2025-07-07. Review status: criteria provided, single submitter. Criteria: ACMG Guidelines, 2015. Collection method: clinical testing. Allele origin: germline.
Comment: This missense variant replaces threonine with lysine at codon 698 of the PKP2 protein. Computational prediction suggests that this variant may have deleterious impact on protein structure and function. To our knowledge, functional studies have not been reported for this variant. This variant has not been reported in individuals affected with PKP2-related disorders in the literature. This variant has not been identified in the general population by the Genome Aggregation Database (gnomAD). The available evidence is insufficient to determine the role of this variant in disease conclusively. Therefore, this variant is classified as a Variant of Uncertain Significance.

Labcorp Genetics (formerly Invitae), Labcorp
Classification: Uncertain significance for Arrhythmogenic right ventricular dysplasia 9. Last evaluated: 2025-02-12. Review status: criteria provided, single submitter. Criteria: Invitae Variant Classification Sherloc (09022015). Collection method: clinical testing. Allele origin: germline.
Comment: This sequence change replaces threonine, which is neutral and polar, with lysine, which is basic and polar, at codon 698 of the PKP2 protein (p.Thr698Lys). This variant is not present in population databases (gnomAD no frequency). This variant has not been reported in the literature in individuals affected with PKP2-related conditions. ClinVar contains an entry for this variant (Variation ID: 664298). An algorithm developed to predict the effect of missense changes on protein structure and function (PolyPhen-2) suggests that this variant is likely to be disruptive. In summary, the available evidence is currently insufficient to determine the role of this variant in disease. Therefore, it has been classified as a Variant of Uncertain Significance.